The following is an entry in ClinVar:

NM_052867.4(NALCN):c.1135-6C>T

Genes: NALCN (sodium leak channel, non-selective; minus strand), LOC126861831 (P300/CBP strongly-dependent group 1 enhancer GRCh37_chr13:101909917-101911116; plus strand). Cytogenetic location: 13q33.1.
Variant type: single nucleotide variant.
Coding change: c.1135-6C>T on transcript NM_052867.4 (MANE Select); 6 bases into the intron before coding-DNA position 1135, C replaced by T.
Molecular consequence: intron variant.
Genome position (GRCh38, 1-based): chr13:101,258,580, G>A on the plus strand (C>T on the coding strand, the complement: NALCN is on the minus strand). VCF-style: chr13-101258580-G-A. GRCh37 (hg19) VCF-style: chr13-101910931-G-A.
Other names: c.1048-6C>T (NM_001350751.2, NM_001350750.2); c.1135-6C>T (NM_001350749.2, NM_001350748.2).
Identifiers: ClinVar variation 4116715 (VCV004116715.1).

ClinVar aggregate classification (germline): Uncertain significance (1 of 4 stars; one submission).

Conditions:
Inborn genetic diseases. Identifiers: MedGen C0950123, MeSH D030342.

gnomAD v4.1: 6 of 1,614,126 alleles (0.00037%); highest among the groups gnomAD compares: South Asian, 0.0066%; no homozygotes.

Submission:

Ambry Genetics
Classification: Uncertain significance for Inborn genetic diseases. Last evaluated: 2025-07-22. Review status: criteria provided, single submitter. Criteria: Ambry Variant Classification Scheme 2023. Collection method: clinical testing. Allele origin: germline.
Comment: Unlikely to be causative of congenital contractures of the limbs and face, hypotonia, and developmental delay (AD) Based on insufficient or conflicting evidence, the clinical significance of this alteration remains unclear.